The following is an entry in ClinVar:

NM_001184.4(ATR):c.2320A>T (p.Ile774Leu)

Gene: ATR (ATR checkpoint kinase; minus strand). Cytogenetic location: 3q23.
Variant type: single nucleotide variant.
Coding change: c.2320A>T on transcript NM_001184.4 (MANE Select); coding-DNA position 2320, A replaced by T.
Protein change: p.Ile774Leu; replaces isoleucine 774 with leucine.
Molecular consequence: missense variant.
Genome position (GRCh38, 1-based): chr3:142,555,898, T>A on the plus strand (A>T on the coding strand, the complement: ATR is on the minus strand). VCF-style: chr3-142555898-T-A. GRCh37 (hg19) VCF-style: chr3-142274740-T-A.
Other names: c.2128A>T, p.Ile710Leu (NM_001354579.2); short protein forms I774L, I710L.
Identifiers: ClinVar variation 1789571 (VCV001789571.4), dbSNP rs1258367105, ClinGen allele CA354818371.

ClinVar aggregate classification (germline): Uncertain significance. Review status: criteria provided, multiple submitters, no conflicts (2 of 4 stars). 2 submissions from 2 submitters: Uncertain significance (2). Last evaluated 2024-05-09.

Conditions:
Inborn genetic diseases. Identifiers: MedGen C0950123, MeSH D030342.

Allele frequency attached by ClinVar (database versions not stated): gnomAD exomes 0.00001.
gnomAD v4.1: 9 of 1,532,492 alleles (0.00059%); highest among the groups gnomAD compares: Non-Finnish European, 0.0008%; no homozygotes.

Submissions (2):

Labcorp Genetics (formerly Invitae), Labcorp
Classification: Uncertain significance. Last evaluated: 2024-05-09. Review status: criteria provided, single submitter. Criteria: Invitae Variant Classification Sherloc (09022015). Collection method: clinical testing. Allele origin: germline.
Comment: This sequence change replaces isoleucine, which is neutral and non-polar, with leucine, which is neutral and non-polar, at codon 774 of the ATR protein (p.Ile774Leu). This variant is present in population databases (no rsID available, gnomAD 0.001%). This variant has not been reported in the literature in individuals affected with ATR-related conditions. ClinVar contains an entry for this variant (Variation ID: 1789571). Algorithms developed to predict the effect of missense changes on protein structure and function output the following: SIFT: "Not Available"; PolyPhen-2: "Benign"; Align-GVGD: "Not Available". The leucine amino acid residue is found in multiple mammalian species, which suggests that this missense change does not adversely affect protein function. In summary, the available evidence is currently insufficient to determine the role of this variant in disease. Therefore, it has been classified as a Variant of Uncertain Significance.

Ambry Genetics
Classification: Uncertain significance for Inborn genetic diseases. Last evaluated: 2022-10-19. Review status: criteria provided, single submitter. Criteria: Ambry Variant Classification Scheme 2023. Collection method: clinical testing. Allele origin: germline.
Comment: The p.I774L variant (also known as c.2320A>T), located in coding exon 10 of the ATR gene, results from an A to T substitution at nucleotide position 2320. The isoleucine at codon 774 is replaced by leucine, an amino acid with highly similar properties. This amino acid position is conserved. In addition, this alteration is predicted to be tolerated by in silico analysis. Since supporting evidence is limited at this time, the clinical significance of this alteration remains unclear.